The following is an entry in ClinVar:

ClinVar aggregate classification (germline): Uncertain significance (1 of 4 stars; one submission).

Conditions:
Inflammatory skin and bowel disease, neonatal, 1. Identifiers: Orphanet 294023, MedGen C3280501, MONDO:0013693, OMIM 614328.

Allele frequency attached by ClinVar (database versions not stated): gnomAD exomes 0.00001.
gnomAD v4.1: 4 of 1,613,952 alleles (0.00025%); highest among the groups gnomAD compares: Admixed American, 0.005%; no homozygotes.

Submission:

Labcorp Genetics (formerly Invitae), Labcorp
Classification: Uncertain significance for Inflammatory skin and bowel disease, neonatal, 1. Last evaluated: 2021-06-18. Review status: criteria provided, single submitter. Criteria: Invitae Variant Classification Sherloc (09022015). Collection method: clinical testing. Allele origin: germline.
Comment: In summary, the available evidence is currently insufficient to determine the role of this variant in disease. Therefore, it has been classified as a Variant of Uncertain Significance. Algorithms developed to predict the effect of missense changes on protein structure and function are either unavailable or do not agree on the potential impact of this missense change (SIFT: "Not Available"; PolyPhen-2: "Benign"; Align-GVGD: "Not Available"). This variant has not been reported in the literature in individuals with ADAM17-related conditions. This variant is not present in population databases (ExAC no frequency). This sequence change replaces proline with serine at codon 731 of the ADAM17 protein (p.Pro731Ser). The proline residue is moderately conserved and there is a moderate physicochemical difference between proline and serine.

NM_003183.6(ADAM17):c.2191C>T (p.Pro731Ser)

Genes: ADAM17 (ADAM metallopeptidase domain 17; minus strand), IAH1 (isoamyl acetate hydrolyzing esterase 1 (putative); plus strand). Cytogenetic location: 2p25.1.
Variant type: single nucleotide variant.
Coding change: c.2191C>T on transcript NM_003183.6 (MANE Select); coding-DNA position 2191, C replaced by T.
Protein change: p.Pro731Ser; replaces proline 731 with serine.
Molecular consequence: missense variant.
Genome position (GRCh38, 1-based): chr2:9,490,461, G>A on the plus strand (C>T on the coding strand, the complement: ADAM17 is on the minus strand). VCF-style: chr2-9490461-G-A. GRCh37 (hg19) VCF-style: chr2-9630590-G-A.
Other names: c.1531C>T, p.Pro511Ser (NM_001382777.1); c.1294C>T, p.Pro432Ser (NM_001382778.1); short protein forms P432S, P511S, P731S.
Identifiers: ClinVar variation 1442087 (VCV001442087.8), dbSNP rs889062988, ClinGen allele CA42366902.